The following is an entry in ClinVar:

ClinVar aggregate classification (germline): Pathogenic (1 of 4 stars; one submission).

Conditions:
Inborn genetic diseases. Identifiers: MedGen C0950123, MeSH D030342.

Submission:

Ambry Genetics
Classification: Pathogenic for Inborn genetic diseases. Last evaluated: 2025-08-19. Review status: criteria provided, single submitter. Criteria: Ambry Variant Classification Scheme 2023. Collection method: clinical testing. Allele origin: germline.
Comment: The c.409G>T (p.E137*) alteration, located in exon 4 (coding exon 4) of the CUL3 gene, consists of a G to T substitution at nucleotide position 409. This changes the amino acid from a glutamic acid (E) to a stop codon at amino acid position 137. This alteration is expected to result in loss of function by premature protein truncation or nonsense-mediated mRNA decay. for CUL3-related neurodevelopmental disorder; however, its clinical significance for CUL3-related pseudohypoaldosteronism type II is uncertain. This variant was not reported in population-based cohorts in the Genome Aggregation Database (gnomAD). Based on the available evidence, this alteration is classified as pathogenic.

NM_003590.5(CUL3):c.409G>T (p.Glu137Ter)

Gene: CUL3 (cullin 3; minus strand). Cytogenetic location: 2q36.2.
Variant type: single nucleotide variant.
Coding change: c.409G>T on transcript NM_003590.5 (MANE Select); coding-DNA position 409, G replaced by T.
Protein change: p.Glu137Ter; replaces glutamic acid 137 with a stop codon.
Molecular consequence: nonsense.
Genome position (GRCh38, 1-based): chr2:224,514,742, C>A on the plus strand (G>T on the coding strand, the complement: CUL3 is on the minus strand). VCF-style: chr2-224514742-C-A. GRCh37 (hg19) VCF-style: chr2-225379459-C-A.
Other names: c.211G>T, p.Glu71Ter (NM_001257197.2); c.427G>T, p.Glu143Ter (NM_001257198.2); short protein forms E71*, E137*, E143*.
Identifiers: ClinVar variation 4236087 (VCV004236087.1).